The following is an entry in ClinVar:

NM_001376256.1(CRYM):c.767A>G (p.Lys256Arg)

Gene: CRYM (crystallin mu; minus strand). Cytogenetic location: 16p12.2.
Variant type: single nucleotide variant.
Coding change: c.767A>G on transcript NM_001376256.1 (MANE Select); coding-DNA position 767, A replaced by G.
Protein change: p.Lys256Arg; replaces lysine 256 with arginine.
Molecular consequence: missense variant.
Genome position (GRCh38, 1-based): chr16:21,262,065, T>C on the plus strand (A>G on the coding strand, the complement: CRYM is on the minus strand). VCF-style: chr16-21262065-T-C. GRCh37 (hg19) VCF-style: chr16-21273386-T-C.
Other names: c.767A>G, p.Lys256Arg (NM_001888.5); short protein forms K256R.
Identifiers: ClinVar variation 2901816 (VCV002901816.3), dbSNP rs1295615539, ClinGen allele CA395061136.

ClinVar aggregate classification (germline): Uncertain significance (1 of 4 stars; one submission).

Allele frequency attached by ClinVar (database versions not stated): gnomAD exomes below 0.00001; gnomAD 0.00001; TOPMed 0.00001.
gnomAD v4.1: 6 of 1,613,950 alleles (0.00037%); highest among the groups gnomAD compares: Non-Finnish European, 0.00051%; no homozygotes.

Submission:

Labcorp Genetics (formerly Invitae), Labcorp
Classification: Uncertain significance. Last evaluated: 2024-08-20. Review status: criteria provided, single submitter. Criteria: Invitae Variant Classification Sherloc (09022015). Collection method: clinical testing. Allele origin: germline.
Comment: This sequence change replaces lysine, which is basic and polar, with arginine, which is basic and polar, at codon 256 of the CRYM protein (p.Lys256Arg). This variant is present in population databases (no rsID available, gnomAD 0.0009%). This variant has not been reported in the literature in individuals affected with CRYM-related conditions. Invitae Evidence Modeling of protein sequence and biophysical properties (such as structural, functional, and spatial information, amino acid conservation, physicochemical variation, residue mobility, and thermodynamic stability) indicates that this missense variant is not expected to disrupt CRYM protein function with a negative predictive value of 80%. In summary, the available evidence is currently insufficient to determine the role of this variant in disease. Therefore, it has been classified as a Variant of Uncertain Significance.